The following is an entry in ClinVar:

ClinVar aggregate classification (germline): Likely pathogenic (1 of 4 stars; one submission).

Submission:

Centre of Medical Genetics, University Hospital Muenster
Classification: Likely pathogenic. Last evaluated: 2022-08-18. Review status: criteria provided, single submitter. Criteria: ACMG Guidelines, 2015. Collection method: clinical testing. Allele origin: de novo. Affected: yes. Observed: 1 variant allele, 1 heterozygote.
Comment: ACMG categories: PS2,PM1,PM2,PP3

NM_001256071.3(RNF213):c.12028C>G (p.Leu4010Val)

Genes: RNF213 (ring finger protein 213; plus strand), RNF213-AS1 (RNF213 antisense RNA 1; minus strand). Cytogenetic location: 17q25.3.
Variant type: single nucleotide variant.
Coding change: c.12028C>G on transcript NM_001256071.3 (MANE Select); coding-DNA position 12028, C replaced by G.
Protein change: p.Leu4010Val; replaces leucine 4010 with valine.
Molecular consequence: missense variant.
Genome position (GRCh38, 1-based): chr17:80,368,016, C>G. VCF-style: chr17-80368016-C-G. GRCh37 (hg19) VCF-style: chr17-78341816-C-G.
Other names: c.12175C>G, p.Leu4059Val (NM_001410195.1, NM_020914.5); short protein forms L4010V, L4059V.
Identifiers: ClinVar variation 1708407 (VCV001708407.2), dbSNP rs2511483095, ClinGen allele CA401409062.
Genomic context (GRCh38, chr17:80,368,016, plus strand): 5'-TCTAGGTTTGGGATTCAGCCGTGCTCCATCTGCCTGGGAGATGCAAAGGACCCCGTCTGT[C>G]TGCCCTGCGACCACGTGCACTGCCTGCGCTGCCTCAGGGCCTGGTTTGCCTCAGAGCAGA-3'
Protein context (NP_001243000.2, residues 4000-4020): CLGDAKDPVC[Leu4010Val]PCDHVHCLRC